The following is an entry in ClinVar:

NM_177400.3(NKX6-2):c.221G>C (p.Gly74Ala)

Gene: NKX6-2 (NK6 homeobox 2; minus strand). Cytogenetic location: 10q26.3.
Variant type: single nucleotide variant.
Coding change: c.221G>C on transcript NM_177400.3 (MANE Select); coding-DNA position 221, G replaced by C.
Protein change: p.Gly74Ala; replaces glycine 74 with alanine.
Molecular consequence: missense variant.
Genome position (GRCh38, 1-based): chr10:132,785,728, C>G on the plus strand (G>C on the coding strand, the complement: NKX6-2 is on the minus strand). VCF-style: chr10-132785728-C-G. GRCh37 (hg19) VCF-style: chr10-134599232-C-G.
Other names: short protein forms G74A.
Identifiers: ClinVar variation 1983363 (VCV001983363.1), dbSNP rs1591015695, ClinGen allele CA378771607.

ClinVar aggregate classification (germline): Uncertain significance (1 of 4 stars; one submission).

Allele frequency attached by ClinVar (database versions not stated): gnomAD exomes below 0.00001; gnomAD 0.00001; TOPMed 0.00001.

Submission:

Labcorp Genetics (formerly Invitae), Labcorp
Classification: Uncertain significance. Last evaluated: 2021-08-27. Review status: criteria provided, single submitter. Criteria: Invitae Variant Classification Sherloc (09022015). Collection method: clinical testing. Allele origin: germline.
Comment: This sequence change replaces glycine with alanine at codon 74 of the NKX6-2 protein (p.Gly74Ala). The glycine residue is weakly conserved and there is a small physicochemical difference between glycine and alanine. The frequency data for this variant in the population databases is considered unreliable, as metrics indicate insufficient coverage at this position in the ExAC database. This variant has not been reported in the literature in individuals affected with NKX6-2-related conditions. Algorithms developed to predict the effect of missense changes on protein structure and function (SIFT, PolyPhen-2, Align-GVGD) all suggest that this variant is likely to be tolerated. In summary, the available evidence is currently insufficient to determine the role of this variant in disease. Therefore, it has been classified as a Variant of Uncertain Significance.